The following is an entry in ClinVar:

NM_001013838.3(CARMIL2):c.1784del (p.Lys595fs)

Gene: CARMIL2 (capping protein regulator and myosin 1 linker 2; plus strand). Cytogenetic location: 16q22.1.
Variant type: Deletion.
Coding change: c.1784del on transcript NM_001013838.3 (MANE Select); coding-DNA position 1784, one base deleted (A; older notation c.1784delA).
Protein change: p.Lys595fs; shifts the reading frame from lysine 595.
Molecular consequence: frameshift variant.
Genome position (GRCh38, 1-based): chr16:67,649,484, A deleted; the last of 2 consecutive A bases (chr16:67,649,483-67,649,484); deleting either gives the same sequence. VCF-style (leftmost placement, unchanged base first): chr16-67649482-GA-G. GRCh37 (hg19) VCF-style: chr16-67683385-GA-G.
Other names: c.1676del, p.Lys559fs (NM_001317026.3); short protein forms K559fs, K595fs.
Identifiers: ClinVar variation 977751 (VCV000977751.4), dbSNP rs774594582, ClinGen allele CA8113569.
Genomic context (GRCh38, chr16:67,649,482, plus strand): 5'-ATCAATGGCTTTCTCTTAACCCCAGCCTCTTCAGTCTCTGTCGGTGGCTGAGTCTCGGCT[GA>G]AGCTGGGTGCCAGCGTCCTACTCCGGGCCCTAGCCACCAATCCTAACCTGACCGCGCTGG-3'

ClinVar aggregate classification (germline): Pathogenic. Review status: criteria provided, multiple submitters, no conflicts (2 of 4 stars). 2 submissions from 2 submitters: Pathogenic (2). Last evaluated 2025-04-07.

Conditions:
Severe combined immunodeficiency due to CARMIL2 deficiency. Also called: IMMUNODEFICIENCY 58. Identifiers: Orphanet 542301, MedGen C4748304, MONDO:0029134, OMIM 618131.

Submissions (2):

Labcorp Genetics (formerly Invitae), Labcorp
Classification: Pathogenic. Last evaluated: 2025-04-07. Review status: criteria provided, single submitter. Criteria: Invitae Variant Classification Sherloc (09022015). Collection method: clinical testing. Allele origin: germline.
Comment: This sequence change creates a premature translational stop signal (p.Lys595Serfs*11) in the CARMIL2 gene. It is expected to result in an absent or disrupted protein product. Loss-of-function variants in CARMIL2 are known to be pathogenic (PMID: 27647349, 28112205). This variant is present in population databases (rs774594582, gnomAD 0.0009%). This premature translational stop signal has been observed in individual(s) with Sjögren’s syndrome (PMID: 33046446). ClinVar contains an entry for this variant (Variation ID: 977751). For these reasons, this variant has been classified as Pathogenic.

Undiagnosed Diseases Network, NIH
Classification: Pathogenic for Severe combined immunodeficiency due to CARMIL2 deficiency. Last evaluated: 2020-04-10. Review status: criteria provided, single submitter. Criteria: ACMG Guidelines, 2015. Collection method: clinical testing. Allele origin: unknown. Inheritance: Autosomal recessive inheritance. Affected: yes. Observed: 1 variant allele, 1 homozygote. Study: Undiagnosed Diseases Network (NIH), UDN.

Literature cited by the submitters: PubMed 27647349 (cited by Labcorp Genetics (formerly Invitae), Labcorp); PubMed 28112205 (cited by Labcorp Genetics (formerly Invitae), Labcorp); PubMed 33046446 (cited by Labcorp Genetics (formerly Invitae), Labcorp).